The following is an entry in ClinVar:

ClinVar aggregate classification (germline): Likely pathogenic. Review status: criteria provided, single submitter (1 of 4 stars). 2 submissions from 2 submitters: Likely pathogenic (1). 1 of the submissions does not count toward it. Last evaluated 2022-05-05.

Conditions:
Fanconi anemia (FA). Also called: Fanconi's anemia. Identifiers: Orphanet 84, MedGen C0015625, MeSH D005199, MONDO:0019391.
Fanconi anemia complementation group C (FANCC). Also called: Fanconi anemia, group C; FANCONI PANCYTOPENIA, TYPE 3; FACC; FANCC-Related Fanconi Anemia. Identifiers: Orphanet 84, MedGen C3468041, MONDO:0009213, OMIM 227645.

Submissions (2):

Labcorp Genetics (formerly Invitae), Labcorp
Classification: Likely pathogenic for Fanconi anemia. Last evaluated: 2022-05-05. Review status: criteria provided, single submitter. Criteria: Invitae Variant Classification Sherloc (09022015). Collection method: clinical testing. Allele origin: germline.
Comment: In summary, the currently available evidence indicates that the variant is pathogenic, but additional data are needed to prove that conclusively. Therefore, this variant has been classified as Likely Pathogenic. This sequence change affects a donor splice site in intron 11 of the FANCC gene. It is expected to disrupt RNA splicing. Variants that disrupt the donor or acceptor splice site typically lead to a loss of protein function (PMID: 16199547), and loss-of-function variants in FANCC are known to be pathogenic (PMID: 17924555). This variant is not present in population databases (gnomAD no frequency). This variant has not been reported in the literature in individuals affected with FANCC-related conditions. ClinVar contains an entry for this variant (Variation ID: 558360). Algorithms developed to predict the effect of sequence changes on RNA splicing suggest that this variant may disrupt the consensus splice site.

Counsyl
Classification: Likely pathogenic for Fanconi anemia complementation group C. Last evaluated: 2018-05-21. Review status: no assertion criteria provided. Collection method: clinical testing. Allele origin: unknown. Not counted in ClinVar's aggregate classification.

Literature cited by the submitters: PubMed 16199547 (cited by Labcorp Genetics (formerly Invitae), Labcorp); PubMed 17924555 (cited by Labcorp Genetics (formerly Invitae), Labcorp).

NM_000136.3(FANCC):c.1072+1G>A

Genes: FANCC (FA complementation group C; minus strand), AOPEP (aminopeptidase O (putative); plus strand). Cytogenetic location: 9q22.32.
Variant type: single nucleotide variant.
Coding change: c.1072+1G>A on transcript NM_000136.3 (MANE Select); the canonical splice donor site of the intron after coding-DNA position 1072, G replaced by A.
Molecular consequence: splice donor variant.
Genome position (GRCh38, 1-based): chr9:95,117,314, C>T on the plus strand (G>A on the coding strand, the complement: FANCC is on the minus strand). VCF-style: chr9-95117314-C-T. GRCh37 (hg19) VCF-style: chr9-97879596-C-T.
Other names: c.1072+1G>A (NM_001243743.2, NM_001243744.2).
Identifiers: ClinVar variation 558360 (VCV000558360.7), dbSNP rs1554830789, ClinGen allele CA374108087.